The following is an entry in ClinVar:

NM_001079.4(ZAP70):c.156C>T (p.His52=)

Gene: ZAP70 (zeta chain of T cell receptor associated protein kinase 70; plus strand). Cytogenetic location: 2q11.2.
Variant type: single nucleotide variant.
Coding change: c.156C>T on transcript NM_001079.4 (MANE Select); coding-DNA position 156, C replaced by T.
Protein change: p.His52=; no amino-acid change (histidine 52 retained).
Molecular consequence: synonymous variant.
Genome position (GRCh38, 1-based): chr2:97,724,192, C>T. VCF-style: chr2-97724192-C-T. GRCh37 (hg19) VCF-style: chr2-98340655-C-T.
Other names: c.156C>T, p.His52= (NM_001378594.1).
Identifiers: ClinVar variation 337627 (VCV000337627.18), dbSNP rs138447206, ClinGen allele CA1790026.

ClinVar aggregate classification (germline): Conflicting classifications of pathogenicity. Review status: criteria provided, conflicting classifications (1 of 4 stars). 4 submissions from 4 submitters: Uncertain significance (1); Benign (1); Likely benign (1). 1 of the submissions does not count toward it. Last evaluated 2026-01-14.

Conditions:
Combined immunodeficiency due to ZAP70 deficiency (IMD48). Also called: ZAP70 Deficiency; Immunodeficiency 48. Identifiers: Orphanet 911, MedGen C2931299, MONDO:0010023, OMIM 269840.
ZAP70-related disorder. Also called: ZAP70-related condition.

Allele frequency attached by ClinVar (database versions not stated): ESP Exome Variant Server 0.00008; 1000 Genomes Project 30x 0.00016; 1000 Genomes Project 0.00020; TOPMed 0.00004; ExAC 0.00101.
gnomAD v4.1: 366 of 1,598,440 alleles (0.023%); highest among the groups gnomAD compares: Non-Finnish European, 0.012%; 1 homozygote.

Submissions (4):

Labcorp Genetics (formerly Invitae), Labcorp
Classification: Benign for Combined immunodeficiency due to ZAP70 deficiency. Last evaluated: 2026-01-14. Review status: criteria provided, single submitter. Criteria: Invitae Variant Classification Sherloc (09022015). Collection method: clinical testing. Allele origin: germline.

Blueprint Genetics
Classification: Likely benign. Last evaluated: 2024-10-30. Review status: criteria provided, single submitter. Criteria: ACMG Guidelines, 2015. Collection method: clinical testing. Allele origin: germline.

Illumina Laboratory Services, Illumina
Classification: Uncertain significance for Combined immunodeficiency due to ZAP70 deficiency. Last evaluated: 2018-01-12. Review status: criteria provided, single submitter. Criteria: ICSL Variant Classification Criteria 13 December 2019. Collection method: clinical testing. Allele origin: germline.

PreventionGenetics, part of Exact Sciences
Classification: Likely benign for ZAP70-related condition. Last evaluated: 2019-04-11. Review status: no assertion criteria provided. Collection method: clinical testing. Allele origin: germline. Not counted in ClinVar's aggregate classification.
Comment: This variant is classified as likely benign based on ACMG/AMP sequence variant interpretation guidelines (Richards et al. 2015 PMID: 25741868, with internal and published modifications).